The following is an entry in ClinVar:

ClinVar aggregate classification (germline): Pathogenic (1 of 4 stars; one submission).

Conditions:
Sulfite oxidase deficiency. Also called: Isolated sulfite oxidase deficiency. Identifiers: Orphanet 833, Orphanet 99731, MedGen C0268624, MONDO:0010089, OMIM 272300, HP:0003643.

Submission:

Labcorp Genetics (formerly Invitae), Labcorp
Classification: Pathogenic for Sulfite oxidase deficiency. Last evaluated: 2021-03-28. Review status: criteria provided, single submitter. Criteria: Invitae Variant Classification Sherloc (09022015). Collection method: clinical testing. Allele origin: germline.
Comment: For these reasons, this variant has been classified as Pathogenic. A different truncation downstream of this variant (p.Tyr400*) has been determined to be pathogenic (PMID: 12112661, 23994568). This suggests that deletion of this region of the SUOX protein is causative of disease. Algorithms developed to predict the effect of sequence changes on RNA splicing suggest that this variant may create or strengthen a splice site, but this prediction has not been confirmed by published transcriptional studies. This variant has not been reported in the literature in individuals with SUOX-related conditions. This variant is not present in population databases (ExAC no frequency). This sequence change creates a premature translational stop signal (p.Asp72Valfs*2) in the SUOX gene. While this is not anticipated to result in nonsense mediated decay, it is expected to disrupt the last 474 amino acid(s) of the SUOX protein.

Literature cited by the submitters: PubMed 12112661; PubMed 23994568.

NM_001032386.2(SUOX):c.215_222del (p.Asp72fs)

Gene: SUOX (sulfite oxidase; plus strand). Cytogenetic location: 12q13.2.
Variant type: Deletion.
Coding change: c.215_222del on transcript NM_001032386.2 (MANE Select); coding-DNA positions 215 to 222, 8 bases deleted (ACCATCGG; older notation c.215_222delACCATCGG).
Protein change: p.Asp72fs; shifts the reading frame from aspartic acid 72.
Molecular consequence: frameshift variant.
Genome position (GRCh38, 1-based): chr12:56,002,707-56,002,714, ACCATCGG deleted; deleting any 8 consecutive bases within chr12:56,002,705-56,002,714 gives the same sequence; the c. name uses the placement nearest the transcript's 3' end. VCF-style (leftmost placement, unchanged base first): chr12-56002704-AGGACCATC-A. GRCh37 (hg19) VCF-style: chr12-56396488-AGGACCATC-A.
Other names: c.215_222del, p.Asp72fs (NM_000456.3, NM_001032387.2); short protein forms D72fs.
Identifiers: ClinVar variation 1410729 (VCV001410729.9), dbSNP rs2136509843, ClinGen allele CA2573148929.